The following is an entry in ClinVar:

ClinVar aggregate classification (germline): Pathogenic (1 of 4 stars; one submission).

Conditions:
Jeune thoracic dystrophy. Also called: Jeune syndrome; Infantile thoracic dystrophy; Thoracic pelvic phalangeal dystrophy; Jeune's syndrome; Chondroectodermal dysplasia-like syndrome; Short-rib thoracic dysplasia. Identifiers: Orphanet 474, MedGen C0265275, MONDO:0018770.

gnomAD v4.1: 1 of 1,613,376 alleles (0.000062%); highest among the groups gnomAD compares: Non-Finnish European, 0.000085%; no homozygotes.

Submission:

Labcorp Genetics (formerly Invitae), Labcorp
Classification: Pathogenic for Jeune thoracic dystrophy. Last evaluated: 2024-03-07. Review status: criteria provided, single submitter. Criteria: Invitae Variant Classification Sherloc (09022015). Collection method: clinical testing. Allele origin: germline.
Comment: This sequence change creates a premature translational stop signal (p.Leu3786*) in the DYNC2H1 gene. It is expected to result in an absent or disrupted protein product. Loss-of-function variants in DYNC2H1 are known to be pathogenic (PMID: 23339108, 32753734, 33755199). This variant is not present in population databases (gnomAD no frequency). This variant has not been reported in the literature in individuals affected with DYNC2H1-related conditions. For these reasons, this variant has been classified as Pathogenic.

Literature cited by the submitters: PubMed 23339108; PubMed 32753734; PubMed 33755199.

NM_001377.3(DYNC2H1):c.11336T>A (p.Leu3779Ter)

Gene: DYNC2H1 (dynein cytoplasmic 2 heavy chain 1; plus strand). Cytogenetic location: 11q22.3.
Variant type: single nucleotide variant.
Coding change: c.11336T>A on transcript NM_001377.3 (MANE Select); coding-DNA position 11336, T replaced by A.
Protein change: p.Leu3779Ter; replaces leucine 3779 with a stop codon.
Molecular consequence: nonsense.
Genome position (GRCh38, 1-based): chr11:103,304,674, T>A. VCF-style: chr11-103304674-T-A. GRCh37 (hg19) VCF-style: chr11-103175403-T-A.
Other names: c.11357T>A, p.Leu3786Ter (NM_001080463.2); short protein forms L3779*, L3786*.
Identifiers: ClinVar variation 3644890 (VCV003644890.2).